The following is an entry in ClinVar:

ClinVar aggregate classification (germline): Benign. Review status: criteria provided, multiple submitters, no conflicts (2 of 4 stars). 3 submissions from 3 submitters: Benign (3). Last evaluated 2024-07-31.

Allele frequency attached by ClinVar (database versions not stated): TOPMed 0.35949; gnomAD 0.37310 and 0.38585; 1000 Genomes Project 30x 0.40350; 1000 Genomes Project 0.41234; gnomAD exomes 0.48958.
gnomAD v4.1: 770,747 of 1,607,722 alleles (48%); highest among the groups gnomAD compares: South Asian, 59%; 192,020 homozygotes.

Submissions (3):

Unidad de Genómica Garrahan, Hospital de Pediatría Garrahan
Classification: Benign. Last evaluated: 2024-07-31. Review status: criteria provided, single submitter. Criteria: ACMG Guidelines, 2015. Collection method: clinical testing. Allele origin: germline. Affected: no. Observed: 61 variant alleles.
Comment: This variant is classified as Benign based on local population frequency. This variant was detected in 66% of patients studied in a panel designed for Epileptic and Developmental Encephalopathy, Progressive Myoclonus Epilepsy and Abnormal Movements and Neurodegeneration with brain iron accumulation. Number of patients: 61. Only high quality variants are reported.

GeneDx
Classification: Benign. Last evaluated: 2018-06-19. Review status: criteria provided, single submitter. Criteria: GeneDx Variant Classification (06012015). Collection method: clinical testing. Allele origin: germline. Affected: yes.
Comment: This variant is considered likely benign or benign based on one or more of the following criteria: it is a conservative change, it occurs at a poorly conserved position in the protein, it is predicted to be benign by multiple in silico algorithms, and/or has population frequency not consistent with disease.

Breakthrough Genomics
Classification: Benign. Review status: criteria provided, single submitter. Criteria: ACMG Guidelines, 2015. Collection method: not provided. Allele origin: germline. Inheritance: Autosomal dominant inheritance. Affected: yes.

NM_000368.5(TSC1):c.2625+68G>A

Gene: TSC1 (TSC complex subunit 1; minus strand). Cytogenetic location: 9q34.13.
Variant type: single nucleotide variant.
Coding change: c.2625+68G>A on transcript NM_000368.5 (MANE Select); 68 bases into the intron after coding-DNA position 2625, G replaced by A.
Molecular consequence: intron variant.
Genome position (GRCh38, 1-based): chr9:132,900,647, C>T on the plus strand (G>A on the coding strand, the complement: TSC1 is on the minus strand). VCF-style: chr9-132900647-C-T. GRCh37 (hg19) VCF-style: chr9-135776034-C-T.
Other names: c.2262+68G>A (NM_001362177.2); c.2472+68G>A (NM_001162427.2); c.2622+68G>A (NM_001162426.2).
Identifiers: ClinVar variation 670691 (VCV000670691.4), dbSNP rs1076160, ClinGen allele CA13002432.